The following is an entry in ClinVar:

NM_000051.4(ATM):c.6828_6829insTTTTTTTTTTTTTTTTTTNNNNNNNNNNCATGTGGAATTTGTGCAGGTTAGTTAAATATGTATACATGTGCCATGATGGTCCGCTGCACACACTAATGTTTCATCTAGACATAGGTATATCTCGAAAGGGCAATATTT (p.Gln2277delinsPhePhePhePhePhePheXaaXaaXaaXaaCysGlyIleCysAlaGlyTer)

Genes: ATM (ATM serine/threonine kinase; plus strand), C11orf65 (chromosome 11 open reading frame 65; minus strand). Cytogenetic location: 11q22.3.
Variant type: Insertion.
Coding change: c.6828_6829insTTTTTTTTTTTTTTTTTTNNNNNNNNNNCATGTGGAATTTGTGCAGGTTAGTTAAATATGTATACATGTGCCATGATGGTCCGCTGCACACACTAATGTTTCATCTAGACATAGGTATATCTCGAAAGGGCAATATTT on transcript NM_000051.4 (MANE Select); coding-DNA positions 6828 to 6829, TTTTTTTTTTTTTTTTTTNNNNNNNNNNCATGTGGAATTTGTGCAGGTTAGTTAAATATGTATACATGTGCCATGATGGTCCGCTGCACACACTAATGTTTCATCTAGACATAGGTATATCTCGAAAGGGCAATATTT inserted.
Protein change: p.Gln2277delinsPhePhePhePhePhePheXaaXaaXaaXaaCysGlyIleCysAlaGlyTer.
Molecular consequence: nonsense. On other transcripts: intron variant (2).
Genome position: GRCh38: chr11:108,326,078-108,326,079. GRCh37 (hg19): chr11:108,196,805-108,196,806.
Other names: c.6828_6829insTTTTTTTTTTTTTTTTTTNNNNNNNNNNCATGTGGAATTTGTGCAGGTTAGTTAAATATGTATACATGTGCCATGATGGTCCGCTGCACACACTAATGTTTCATCTAGACATAGGTATATCTCGAAAGGGCAATATTT, p.Gln2277delinsPhePhePhePhePhePheXaaXaaXaaXaaCysGlyIleCysAlaGlyTer (NM_001351834.2); c.641-16993_641-16992insAAATATTGCCCTTTCGAGATATACCTATGTCTAGATGAAACATTAGTGTGTGCAGCGGACCATCATGGCACATGTATACATATTTAACTAACCTGCACAAATTCCACATGNNNNNNNNNNAAAAAAAAAAAAAAAAAA (NM_001330368.2); c.*38+9156_*38+9157insAAATATTGCCCTTTCGAGATATACCTATGTCTAGATGAAACATTAGTGTGTGCAGCGGACCATCATGGCACATGTATACATATTTAACTAACCTGCACAAATTCCACATGNNNNNNNNNNAAAAAAAAAAAAAAAAAA (NM_001351110.2).
Identifiers: ClinVar variation 2771970 (VCV002771970.3), dbSNP rs2547215212.

ClinVar aggregate classification (germline): Pathogenic (1 of 4 stars; one submission).

Conditions:
Ataxia-telangiectasia syndrome (AT). Also called: LOUIS-BAR SYNDROME; Cerebello-oculocutaneous telangiectasia; Immunodeficiency with ataxia telangiectasia; Ataxia telangiectasia (A-T); Ataxia-telangiectasia, complementation group D; AT, COMPLEMENTATION GROUP C. Identifiers: Orphanet 100, MedGen C0004135, MONDO:0008840, OMIM 208900.

Submission:

Labcorp Genetics (formerly Invitae), Labcorp
Classification: Pathogenic for Ataxia-telangiectasia syndrome. Last evaluated: 2024-01-07. Review status: criteria provided, single submitter. Criteria: Invitae Variant Classification Sherloc (09022015). Collection method: clinical testing. Allele origin: germline.
Comment: This sequence change inserts a large fragment of DNA, likely a transposable element, in exon 47 of the ATM gene (c.6828_6829ins?). The exact size and sequence of the insertion cannot be determined by the current assay. RNA analysis indicates that this variant induces altered splicing and likely results in a shortened protein product. This variant is not present in population databases (gnomAD no frequency). This variant has not been reported in the literature in individuals affected with ATM-related conditions. Studies have shown that this variant results in skipping of Exon 47, but is expected to preserve the integrity of the reading-frame (Invitae). This variant disrupts the FAT domain, which is necessary for ATM dimerization (PMID: 23532176, 35008949). While functional studies have not been performed to directly test the effect of this variant on ATM protein function, this suggests that disruption of this region of the protein is causative of disease. For these reasons, this variant has been classified as Pathogenic.

Literature cited by the submitters: PubMed 23532176; PubMed 35008949.